The following is an entry in ClinVar:

NM_003737.4(DCHS1):c.2549G>A (p.Arg850His)

Gene: DCHS1 (dachsous cadherin-related 1; minus strand). Cytogenetic location: 11p15.4.
Variant type: single nucleotide variant.
Coding change: c.2549G>A on transcript NM_003737.4 (MANE Select); coding-DNA position 2549, G replaced by A.
Protein change: p.Arg850His; replaces arginine 850 with histidine.
Molecular consequence: missense variant.
Genome position (GRCh38, 1-based): chr11:6,632,963, C>T on the plus strand (G>A on the coding strand, the complement: DCHS1 is on the minus strand). VCF-style: chr11-6632963-C-T. GRCh37 (hg19) VCF-style: chr11-6654194-C-T.
Other names: short protein forms R850H.
Identifiers: ClinVar variation 2982466 (VCV002982466.3), dbSNP rs1205130469, ClinGen allele CA379420861.

ClinVar aggregate classification (germline): Uncertain significance (1 of 4 stars; one submission).

Allele frequency attached by ClinVar (database versions not stated): TOPMed below 0.00001; gnomAD 0.00001; gnomAD exomes 0.00001.
gnomAD v4.1: 17 of 1,613,866 alleles (0.0011%); highest among the groups gnomAD compares: Admixed American, 0.0033%; no homozygotes.

Submission:

Labcorp Genetics (formerly Invitae), Labcorp
Classification: Uncertain significance. Last evaluated: 2023-10-10. Review status: criteria provided, single submitter. Criteria: Invitae Variant Classification Sherloc (09022015). Collection method: clinical testing. Allele origin: germline.
Comment: This sequence change replaces arginine, which is basic and polar, with histidine, which is basic and polar, at codon 850 of the DCHS1 protein (p.Arg850His). This variant is present in population databases (no rsID available, gnomAD 0.006%). This variant has not been reported in the literature in individuals affected with DCHS1-related conditions. Advanced modeling of protein sequence and biophysical properties (such as structural, functional, and spatial information, amino acid conservation, physicochemical variation, residue mobility, and thermodynamic stability) performed at Invitae indicates that this missense variant is not expected to disrupt DCHS1 protein function. In summary, the available evidence is currently insufficient to determine the role of this variant in disease. Therefore, it has been classified as a Variant of Uncertain Significance.